The following is an entry in ClinVar:

NM_001211.6(BUB1B):c.322G>A (p.Ala108Thr)

Gene: BUB1B (BUB1 mitotic checkpoint serine/threonine kinase B; plus strand). Cytogenetic location: 15q15.1.
Variant type: single nucleotide variant.
Coding change: c.322G>A on transcript NM_001211.6 (MANE Select); coding-DNA position 322, G replaced by A.
Protein change: p.Ala108Thr; replaces alanine 108 with threonine.
Molecular consequence: missense variant.
Genome position (GRCh38, 1-based): chr15:40,170,619, G>A. VCF-style: chr15-40170619-G-A. GRCh37 (hg19) VCF-style: chr15-40462820-G-A.
Other names: short protein forms A108T.
Identifiers: ClinVar variation 965305 (VCV000965305.13), dbSNP rs373830262, ClinGen allele CA7475448.
Genomic context (GRCh38, chr15:40,170,619, plus strand): 5'-AACTATCCTCAAGGTGGGAAGGAGAGTAATATGTCAACGTTATTAGAAAGAGCTGTAGAA[G>A]CACTACAAGGAGAAAAACGATATTATAGTGATCCTCGATTTCTCAATCTCTGGCTTAAAT-3'
Protein context (NP_001202.5, residues 98-118): MSTLLERAVE[Ala108Thr]LQGEKRYYSD

ClinVar aggregate classification (germline): Uncertain significance. Review status: criteria provided, multiple submitters, no conflicts (2 of 4 stars). 2 submissions from 2 submitters: Uncertain significance (2). Last evaluated 2023-01-09.

Conditions:
Inborn genetic diseases. Identifiers: MedGen C0950123, MeSH D030342.
Mosaic variegated aneuploidy syndrome 1 (MVA1). Also called: Warburton-Anyane-Yeboa syndrome. Identifiers: Orphanet 1052, MedGen C1850343, MONDO:0009759, OMIM 257300.

Allele frequency attached by ClinVar (database versions not stated): ExAC 0.00001; gnomAD 0.00001; gnomAD exomes 0.00001; TOPMed 0.00001; ESP Exome Variant Server 0.00008.
gnomAD v4.1: 8 of 1,613,094 alleles (0.0005%); highest among the groups gnomAD compares: African/African-American, 0.0013%; no homozygotes.

Submissions (2):

Labcorp Genetics (formerly Invitae), Labcorp
Classification: Uncertain significance for Mosaic variegated aneuploidy syndrome 1. Last evaluated: 2023-01-09. Review status: criteria provided, single submitter. Criteria: Invitae Variant Classification Sherloc (09022015). Collection method: clinical testing. Allele origin: germline.
Comment: In summary, the available evidence is currently insufficient to determine the role of this variant in disease. Therefore, it has been classified as a Variant of Uncertain Significance. Algorithms developed to predict the effect of missense changes on protein structure and function are either unavailable or do not agree on the potential impact of this missense change (SIFT: "Tolerated"; PolyPhen-2: "Possibly Damaging"; Align-GVGD: "Class C0"). ClinVar contains an entry for this variant (Variation ID: 965305). This variant has not been reported in the literature in individuals affected with BUB1B-related conditions. This variant is present in population databases (rs373830262, gnomAD 0.002%). This sequence change replaces alanine, which is neutral and non-polar, with threonine, which is neutral and polar, at codon 108 of the BUB1B protein (p.Ala108Thr).

Ambry Genetics
Classification: Uncertain significance for Inborn genetic diseases. Last evaluated: 2022-01-05. Review status: criteria provided, single submitter. Criteria: Ambry Variant Classification Scheme 2023. Collection method: clinical testing. Allele origin: germline.
Comment: The p.A108T variant (also known as c.322G>A), located in coding exon 4 of the BUB1B gene, results from a G to A substitution at nucleotide position 322. The alanine at codon 108 is replaced by threonine, an amino acid with similar properties. This amino acid position is conserved. In addition, this alteration is predicted to be tolerated by in silico analysis. Since supporting evidence is limited at this time, the clinical significance of this alteration remains unclear.